The following is an entry in ClinVar:

NM_005477.3(HCN4):c.3386G>A (p.Ser1129Asn)

Gene: HCN4 (hyperpolarization activated cyclic nucleotide gated potassium channel 4; minus strand). Cytogenetic location: 15q24.1.
Variant type: single nucleotide variant.
Coding change: c.3386G>A on transcript NM_005477.3 (MANE Select); coding-DNA position 3386, G replaced by A.
Protein change: p.Ser1129Asn; replaces serine 1129 with asparagine.
Molecular consequence: missense variant.
Genome position (GRCh38, 1-based): chr15:73,322,707, C>T on the plus strand (G>A on the coding strand, the complement: HCN4 is on the minus strand). VCF-style: chr15-73322707-C-T. GRCh37 (hg19) VCF-style: chr15-73615048-C-T.
Other names: short protein forms S1129N.
Identifiers: ClinVar variation 1018575 (VCV001018575.8), dbSNP rs2042868269, ClinGen allele CA393085432.

ClinVar aggregate classification (germline): Uncertain significance (1 of 4 stars; one submission).

Conditions:
Brugada syndrome 8 (BRGDA8). Identifiers: Orphanet 130, MedGen C2751083, MONDO:0013148, OMIM 613123.

Submission:

Labcorp Genetics (formerly Invitae), Labcorp
Classification: Uncertain significance for Brugada syndrome 8. Last evaluated: 2020-10-29. Review status: criteria provided, single submitter. Criteria: Invitae Variant Classification Sherloc (09022015). Collection method: clinical testing. Allele origin: germline.
Comment: In summary, the available evidence is currently insufficient to determine the role of this variant in disease. Therefore, it has been classified as a Variant of Uncertain Significance. Advanced modeling of protein sequence and biophysical properties (such as structural, functional, and spatial information, amino acid conservation, physicochemical variation, residue mobility, and thermodynamic stability) performed at Invitae indicates that this missense variant is not expected to disrupt HCN4 protein function. This variant has not been reported in the literature in individuals with HCN4-related conditions. This variant is not present in population databases (ExAC no frequency). This sequence change replaces serine with asparagine at codon 1129 of the HCN4 protein (p.Ser1129Asn). The serine residue is weakly conserved and there is a small physicochemical difference between serine and asparagine.